The following is an entry in ClinVar:

NM_006295.3(VARS1):c.1639G>T (p.Val547Leu)

Gene: VARS1 (valyl-tRNA synthetase 1; minus strand). Cytogenetic location: 6p21.33.
Variant type: single nucleotide variant.
Coding change: c.1639G>T on transcript NM_006295.3 (MANE Select); coding-DNA position 1639, G replaced by T.
Protein change: p.Val547Leu; replaces valine 547 with leucine.
Molecular consequence: missense variant.
Genome position (GRCh38, 1-based): chr6:31,784,246, C>A on the plus strand (G>T on the coding strand, the complement: VARS1 is on the minus strand). VCF-style: chr6-31784246-C-A. GRCh37 (hg19) VCF-style: chr6-31752023-C-A.
Other names: short protein forms V547L.
Identifiers: ClinVar variation 1031622 (VCV001031622.1), dbSNP rs1419910099, ClinGen allele CA363463758.

ClinVar aggregate classification (germline): Uncertain significance (1 of 4 stars; one submission).

Conditions:
Neurodevelopmental disorder with microcephaly, seizures, and cortical atrophy. Identifiers: MedGen C4540493, MONDO:0060621, OMIM 617802.

Allele frequency attached by ClinVar (database versions not stated): gnomAD exomes below 0.00001.
gnomAD v4.1: 2 of 1,614,200 alleles (0.00012%); highest among the groups gnomAD compares: Non-Finnish European, 0.00017%; no homozygotes.

Submission:

Baylor Genetics
Classification: Uncertain significance for Neurodevelopmental disorder with microcephaly, seizures, and cortical atrophy. Last evaluated: 2018-08-09. Review status: criteria provided, single submitter. Criteria: ACMG Guidelines, 2015. Collection method: clinical testing. Allele origin: maternal. Affected: yes.
Comment: This variant was determined to be of uncertain significance according to ACMG Guidelines, 2015 [PMID:25741868].